The following is an entry in ClinVar:

ClinVar aggregate classification (germline): Uncertain significance (1 of 4 stars; one submission).

gnomAD v4.1: 1 of 1,613,836 alleles (0.000062%); highest among the groups gnomAD compares: African/African-American, 0.0013%; no homozygotes.

Submission:

GeneDx
Classification: Uncertain significance. Last evaluated: 2025-01-28. Review status: criteria provided, single submitter. Criteria: GeneDx Variant Classification Process June 2021. Collection method: clinical testing. Allele origin: germline. Affected: yes.
Comment: Not observed at significant frequency in large population cohorts (gnomAD); In silico analysis supports that this missense variant has a deleterious effect on protein structure/function; Has not been previously published as pathogenic or benign to our knowledge

NM_012123.4(MTO1):c.1202G>T (p.Arg401Leu)

Gene: MTO1 (mitochondrial tRNA translation optimization 1; plus strand). Cytogenetic location: 6q13.
Variant type: single nucleotide variant.
Coding change: c.1202G>T on transcript NM_012123.4 (MANE Select); coding-DNA position 1202, G replaced by T.
Protein change: p.Arg401Leu; replaces arginine 401 with leucine.
Molecular consequence: missense variant.
Genome position (GRCh38, 1-based): chr6:73,480,747, G>T. VCF-style: chr6-73480747-G-T. GRCh37 (hg19) VCF-style: chr6-74190470-G-T.
Other names: c.1202G>T, p.Arg401Leu (NM_001123226.2); c.1277G>T, p.Arg426Leu (NM_133645.3); short protein forms R401L, R426L.
Identifiers: ClinVar variation 4071658 (VCV004071658.1).